The following is an entry in ClinVar:

NM_004958.4(MTOR):c.7639C>G (p.Pro2547Ala)

Gene: MTOR (mechanistic target of rapamycin kinase; minus strand). Cytogenetic location: 1p36.22.
Variant type: single nucleotide variant.
Coding change: c.7639C>G on transcript NM_004958.4 (MANE Select); coding-DNA position 7639, C replaced by G.
Protein change: p.Pro2547Ala; replaces proline 2547 with alanine.
Molecular consequence: missense variant.
Genome position (GRCh38, 1-based): chr1:11,107,496, G>C on the plus strand (C>G on the coding strand, the complement: MTOR is on the minus strand). VCF-style: chr1-11107496-G-C. GRCh37 (hg19) VCF-style: chr1-11167553-G-C.
Other names: c.7639C>G, p.Pro2547Ala (NM_001386500.1); c.6391C>G, p.Pro2131Ala (NM_001386501.1); short protein forms P2547A, P2131A.
Identifiers: ClinVar variation 3633464 (VCV003633464.2).
Genomic context (GRCh38, chr1:11,107,496, plus strand): 5'-AAGTACAAAAGCCTCAGAAAAAACGTGATGGGCACATCTGGGCCTCCAGTTACCAGAAAG[G>C]GCACCTAAGAAGGCAGAAAGAAAAGGAATATTTTAATAATTTGAGCTTCTTCAAAGGTTT-3'
Protein context (NP_004949.1, residues 2537-2549): NLCQCYIGWC[Pro2547Ala]FW

ClinVar aggregate classification (germline): Uncertain significance (1 of 4 stars; one submission).

Submission:

Labcorp Genetics (formerly Invitae), Labcorp
Classification: Uncertain significance. Last evaluated: 2024-05-08. Review status: criteria provided, single submitter. Criteria: Invitae Variant Classification Sherloc (09022015). Collection method: clinical testing. Allele origin: germline.
Comment: This sequence change replaces proline, which is neutral and non-polar, with alanine, which is neutral and non-polar, at codon 2547 of the MTOR protein (p.Pro2547Ala). This variant is not present in population databases (gnomAD no frequency). This variant has not been reported in the literature in individuals affected with MTOR-related conditions. Advanced modeling of protein sequence and biophysical properties (such as structural, functional, and spatial information, amino acid conservation, physicochemical variation, residue mobility, and thermodynamic stability) has been performed at Invitae for this missense variant, however the output from this modeling did not meet the statistical confidence thresholds required to predict the impact of this variant on MTOR protein function. In summary, the available evidence is currently insufficient to determine the role of this variant in disease. Therefore, it has been classified as a Variant of Uncertain Significance.